The following is an entry in ClinVar:

NM_001379286.1(ZNF423):c.2860C>T (p.Arg954Trp)

Gene: ZNF423 (zinc finger protein 423; minus strand). Cytogenetic location: 16q12.1.
Variant type: single nucleotide variant.
Coding change: c.2860C>T on transcript NM_001379286.1 (MANE Select); coding-DNA position 2860, C replaced by T.
Protein change: p.Arg954Trp; replaces arginine 954 with tryptophan.
Molecular consequence: missense variant.
Genome position (GRCh38, 1-based): chr16:49,636,316, G>A on the plus strand (C>T on the coding strand, the complement: ZNF423 is on the minus strand). VCF-style: chr16-49636316-G-A. GRCh37 (hg19) VCF-style: chr16-49670227-G-A.
Other names: c.2656C>T, p.Arg886Trp (NM_001271620.2); c.2485C>T, p.Arg829Trp (NM_001330533.2); c.2836C>T, p.Arg946Trp (NM_015069.5); short protein forms R829W, R946W, R954W, R886W.
Identifiers: ClinVar variation 1501888 (VCV001501888.10), dbSNP rs781748351, ClinGen allele CA8046420.
Genomic context (GRCh38, chr16:49,636,316, plus strand): 5'-CACCACAGATGGGACACATGTAGTGCTTGGCAGGGCCCCGGTGCGTCTGCAGGTGCTCCC[G>A]TAGCCCGTTCTCCGAGAAGAAAGTCCGTGAACAAACGTTGCACTTGTGACTGCCCTTGAT-3'
Protein context (NP_001366215.1, residues 944-964): SRTFFSENGL[Arg954Trp]EHLQTHRGPA

ClinVar aggregate classification (germline): Uncertain significance. Review status: criteria provided, multiple submitters, no conflicts (2 of 4 stars). 3 submissions from 3 submitters: Uncertain significance (3). Last evaluated 2024-08-05.

Conditions:
Nephronophthisis 14 (NPHP14). Identifiers: Orphanet 2318, MedGen C3539071, MONDO:0013916, OMIM 614844.

Allele frequency attached by ClinVar (database versions not stated): TOPMed below 0.00001; ExAC 0.00001; gnomAD 0.00001.
gnomAD v4.1: 13 of 1,612,484 alleles (0.00081%); highest among the groups gnomAD compares: East Asian, 0.0089%; no homozygotes.

Submissions (3):

Labcorp Genetics (formerly Invitae), Labcorp
Classification: Uncertain significance for Nephronophthisis 14. Last evaluated: 2024-08-05. Review status: criteria provided, single submitter. Criteria: Invitae Variant Classification Sherloc (09022015). Collection method: clinical testing. Allele origin: germline.
Comment: This sequence change replaces arginine, which is basic and polar, with tryptophan, which is neutral and slightly polar, at codon 946 of the ZNF423 protein (p.Arg946Trp). The frequency data for this variant in the population databases is considered unreliable, as metrics indicate poor data quality at this position in the gnomAD database. This variant has not been reported in the literature in individuals affected with ZNF423-related conditions. ClinVar contains an entry for this variant (Variation ID: 1501888). Advanced modeling of protein sequence and biophysical properties (such as structural, functional, and spatial information, amino acid conservation, physicochemical variation, residue mobility, and thermodynamic stability) performed at Invitae indicates that this missense variant is not expected to disrupt ZNF423 protein function with a negative predictive value of 80%. In summary, the available evidence is currently insufficient to determine the role of this variant in disease. Therefore, it has been classified as a Variant of Uncertain Significance.

Department of Pathology and Laboratory Medicine, Sinai Health System
Classification: Uncertain significance for Nephronophthisis 14. Last evaluated: 2023-04-28. Review status: criteria provided, single submitter. Criteria: ACMG Guidelines, 2015. Collection method: research. Allele origin: germline.

Blueprint Genetics
Classification: Uncertain significance. Last evaluated: 2018-03-14. Review status: criteria provided, single submitter. Criteria: ACMG Guidelines, 2015. Collection method: clinical testing. Allele origin: germline.